The following is an entry in ClinVar:

ClinVar aggregate classification (germline): Uncertain significance (1 of 4 stars; one submission).

Conditions:
Hereditary breast ovarian cancer syndrome. Also called: Hereditary breast and ovarian cancer; Hereditary breast and ovarian cancer syndrome; Breast and ovarian cancer; BRCA1- and BRCA2-Associated Hereditary Breast and Ovarian Cancer; Hereditary breast and ovarian cancer syndrome (HBOC); Hereditary breast and/or ovarian cancer syndrome. Identifiers: Orphanet 145, MedGen C0677776, MeSH D061325, MONDO:0003582. Disease mechanism: loss of function.

Submission:

Labcorp Genetics (formerly Invitae), Labcorp
Classification: Uncertain significance for Hereditary breast ovarian cancer syndrome. Last evaluated: 2023-08-08. Review status: criteria provided, single submitter. Criteria: Invitae Variant Classification Sherloc (09022015). Collection method: clinical testing. Allele origin: germline.
Comment: In summary, the available evidence is currently insufficient to determine the role of this variant in disease. Therefore, it has been classified as a Variant of Uncertain Significance. Advanced modeling of protein sequence and biophysical properties (such as structural, functional, and spatial information, amino acid conservation, physicochemical variation, residue mobility, and thermodynamic stability) performed at Invitae indicates that this missense variant is not expected to disrupt BRCA1 protein function. This variant has not been reported in the literature in individuals affected with BRCA1-related conditions. This variant is not present in population databases (gnomAD no frequency). This sequence change replaces asparagine, which is neutral and polar, with tyrosine, which is neutral and polar, at codon 1215 of the BRCA1 protein (p.Asn1215Tyr).

NM_007294.4(BRCA1):c.3643A>T (p.Asn1215Tyr)

Genes: BRCA1 (BRCA1 DNA repair associated; minus strand), LOC126862571 (BRD4-independent group 4 enhancer GRCh37_chr17:41243136-41244335; plus strand). Cytogenetic location: 17q21.31.
Variant type: single nucleotide variant.
Coding change: c.3643A>T on transcript NM_007294.4 (MANE Select); coding-DNA position 3643, A replaced by T.
Protein change: p.Asn1215Tyr; replaces asparagine 1215 with tyrosine.
Molecular consequence: missense variant. On other transcripts: intron variant (135).
Genome position (GRCh38, 1-based): chr17:43,091,888, T>A on the plus strand (A>T on the coding strand, the complement: BRCA1 is on the minus strand). VCF-style: chr17-43091888-T-A. GRCh37 (hg19) VCF-style: chr17-41243905-T-A.
Other names: c.647-856A>T (NM_001408458.1, NM_001408469.1, NM_001408453.1 and 11 more transcripts); c.284-856A>T (NM_001408512.1); c.407-856A>T (NM_001408510.1); c.644-856A>T (NM_001408470.1, NM_001408464.1, NM_001408468.1 and 3 more transcripts); c.785-856A>T (NM_001408397.1, NM_001408401.1, NM_001408396.1 and 13 more transcripts); c.665-856A>T (NM_001408436.1, NM_001408444.1, NM_001408438.1 and 12 more transcripts); c.788-856A>T (NM_001407980.1, NM_001407993.1, NM_001407976.1 and 17 more transcripts); c.653-856A>T (NM_001408451.1); and 41 more; short protein forms N1047Y, N1126Y, N1148Y, N1174Y, N1188Y, N1087Y, N1088Y, N1104Y.
Identifiers: ClinVar variation 2751150 (VCV002751150.3), dbSNP rs2154297313, ClinGen allele CA10594681.
Genomic context (GRCh38, chr17:43,091,888, plus strand): 5'-TTACTTTACCAAATAACAAGTGTTGGAAGCAGGGAAGCTCTTCATCCTCACTAGATAAGT[T>A]CTCTTCTGAGGACTCTAATTTCTTGGCCCCTCTTCGGTAACCCTGAGCCAAATGTGTATG-3'
Protein context (NP_009225.1, residues 1205-1225): GAKKLESSEE[Asn1215Tyr]LSSEDEELPC